The following is an entry in ClinVar:

NM_152296.5(ATP1A3):c.1388G>A (p.Arg463His)

Gene: ATP1A3 (ATPase Na+/K+ transporting subunit alpha 3; minus strand). Cytogenetic location: 19q13.2.
Variant type: single nucleotide variant.
Coding change: c.1388G>A on transcript NM_152296.5 (MANE Select); coding-DNA position 1388, G replaced by A.
Protein change: p.Arg463His; replaces arginine 463 with histidine.
Molecular consequence: missense variant.
Genome position (GRCh38, 1-based): chr19:41,981,551, C>T on the plus strand (G>A on the coding strand, the complement: ATP1A3 is on the minus strand). VCF-style: chr19-41981551-C-T. GRCh37 (hg19) VCF-style: chr19-42485703-C-T.
Other names: p.Arg463His; c.1421G>A, p.Arg474His (NM_001256213.2); c.1427G>A, p.Arg476His (NM_001256214.2); short protein forms R463H, R474H, R476H.
Identifiers: ClinVar variation 468594 (VCV000468594.12), dbSNP rs782499746, ClinGen allele CA9467654.

ClinVar aggregate classification (germline): Conflicting classifications of pathogenicity. Review status: criteria provided, conflicting classifications (1 of 4 stars). 2 submissions from 2 submitters: Uncertain significance (1); Likely benign (1). Last evaluated 2024-08-15.

Conditions:
Dystonia 12 (DYT12). Also called: DYT-ATP1A3; Rapid-Onset Dystonia-Parkinsonism (RDP). Identifiers: Orphanet 71517, MedGen C1868681, MONDO:0007496, OMIM 128235.

Allele frequency attached by ClinVar (database versions not stated): gnomAD 0.00001; ExAC 0.00002; gnomAD exomes 0.00002 and 0.00003; TOPMed 0.00003.
gnomAD v4.1: 48 of 1,614,044 alleles (0.003%); highest among the groups gnomAD compares: Non-Finnish European, 0.0036%; no homozygotes.

Submissions (2):

Mayo Clinic Laboratories, Mayo Clinic
Classification: Uncertain significance. Last evaluated: 2024-08-15. Review status: criteria provided, single submitter. Criteria: ACMG Guidelines, 2015. Collection method: clinical testing. Allele origin: germline. Observed: 1 variant allele.
Comment: BS2, PP2

Labcorp Genetics (formerly Invitae), Labcorp
Classification: Likely benign for Dystonia 12. Last evaluated: 2023-11-24. Review status: criteria provided, single submitter. Criteria: Invitae Variant Classification Sherloc (09022015). Collection method: clinical testing. Allele origin: germline.

Literature cited by the submitters: PubMed 35861376 (cited by Mayo Clinic Laboratories, Mayo Clinic).